The following is an entry in ClinVar:

NM_138694.4(PKHD1):c.5852G>C (p.Gly1951Ala)

Gene: PKHD1 (PKHD1 ciliary IPT domain containing fibrocystin/polyductin; minus strand). Cytogenetic location: 6p12.2.
Variant type: single nucleotide variant.
Coding change: c.5852G>C on transcript NM_138694.4 (MANE Select); coding-DNA position 5852, G replaced by C.
Protein change: p.Gly1951Ala; replaces glycine 1951 with alanine.
Molecular consequence: missense variant.
Genome position (GRCh38, 1-based): chr6:51,959,926, C>G on the plus strand (G>C on the coding strand, the complement: PKHD1 is on the minus strand). VCF-style: chr6-51959926-C-G. GRCh37 (hg19) VCF-style: chr6-51824724-C-G.
Other names: c.5852G>C, p.Gly1951Ala (NM_170724.3); short protein forms G1951A.
Identifiers: ClinVar variation 2631944 (VCV002631944.2), dbSNP rs1439089364, ClinGen allele CA364421414.

ClinVar aggregate classification (germline): Uncertain significance. Review status: criteria provided, multiple submitters, no conflicts (2 of 4 stars). 2 submissions from 2 submitters: Uncertain significance (2). Last evaluated 2023-09-01.

Conditions:
PKHD1-related disorder. Also called: PKHD1-related condition.

Allele frequency attached by ClinVar (database versions not stated): TOPMed below 0.00001; gnomAD 0.00001; gnomAD exomes 0.00002.
gnomAD v4.1: 23 of 1,613,300 alleles (0.0014%); highest among the groups gnomAD compares: Non-Finnish European, 0.0019%; no homozygotes.

Submissions (2):

Blueprint Genetics
Classification: Uncertain significance. Last evaluated: 2023-09-01. Review status: criteria provided, single submitter. Criteria: ACMG Guidelines, 2015. Collection method: clinical testing. Allele origin: germline.

PreventionGenetics, part of Exact Sciences
Classification: Uncertain significance for PKHD1-related condition. Last evaluated: 2023-08-07. Review status: criteria provided, single submitter. Criteria: ACMG Guidelines, 2015. Collection method: clinical testing. Allele origin: germline.
Comment: The PKHD1 c.5852G>C variant is predicted to result in the amino acid substitution p.Gly1951Ala. To our knowledge, this variant has not been reported in the literature. This variant is reported in 0.00088% of alleles in individuals of European (Non-Finnish) descent in gnomAD. At this time, the clinical significance of this variant is uncertain due to the absence of conclusive functional and genetic evidence.